The following is an entry in ClinVar:

NM_006514.4(SCN10A):c.3229-5T>C

Genes: SCN10A (sodium voltage-gated channel alpha subunit 10; minus strand), LOC110121288 (VISTA enhancer hs2268; plus strand). Cytogenetic location: 3p22.2.
Variant type: single nucleotide variant.
Coding change: c.3229-5T>C on transcript NM_006514.4 (MANE Select); 5 bases into the intron before coding-DNA position 3229, T replaced by C.
Molecular consequence: intron variant.
Genome position (GRCh38, 1-based): chr3:38,723,558, A>G on the plus strand (T>C on the coding strand, the complement: SCN10A is on the minus strand). VCF-style: chr3-38723558-A-G. GRCh37 (hg19) VCF-style: chr3-38765049-A-G.
Other names: c.2935-5T>C (NM_001293307.2); c.3226-5T>C (NM_001293306.2).
Identifiers: ClinVar variation 1729149 (VCV001729149.2), dbSNP rs1245340133, ClinGen allele CA542278834.

ClinVar aggregate classification (germline): Uncertain significance (1 of 4 stars; one submission).

Conditions:
Cardiovascular phenotype. Identifiers: MedGen CN230736.

Allele frequency attached by ClinVar (database versions not stated): gnomAD exomes below 0.00001.
gnomAD v4.1: 1 of 1,581,686 alleles (0.000063%); highest among the groups gnomAD compares: South Asian, 0.0011%; no homozygotes.

Submission:

Ambry Genetics
Classification: Uncertain significance for Cardiovascular phenotype. Last evaluated: 2020-12-08. Review status: criteria provided, single submitter. Criteria: Ambry Variant Classification Scheme 2023. Collection method: clinical testing. Allele origin: germline.
Comment: The c.3229-5T>C intronic variant results from a T to C substitution 5 nucleotides upstream from coding exon 18 in the SCN10A gene. This nucleotide position is not well conserved in available vertebrate species. In silico splice site analysis predicts that this alteration will not have any significant effect on splicing. Since supporting evidence is limited at this time, the clinical significance of this alteration remains unclear.